The following is an entry in ClinVar:

NC_000001.10:g.(?_115828681)_(115829426_?)dup

Gene: NGF (nerve growth factor; minus strand). Cytogenetic location: 1p13.2.
Variant type: Duplication.
Identifiers: ClinVar variation 1019949 (VCV001019949.1).

ClinVar aggregate classification (germline): Uncertain significance (1 of 4 stars; one submission).

Conditions:
Congenital sensory neuropathy with selective loss of small myelinated fibers (HSAN5). Also called: HSAN Type V. Identifiers: Orphanet 64752, MedGen C0020075, MONDO:0012092, OMIM 608654.

Submission:

Labcorp Genetics (formerly Invitae), Labcorp
Classification: Uncertain significance for Congenital sensory neuropathy with selective loss of small myelinated fibers. Last evaluated: 2020-10-06. Review status: criteria provided, single submitter. Criteria: Invitae Variant Classification Sherloc (09022015). Collection method: clinical testing. Allele origin: germline.
Comment: This variant results in a copy number gain of the genomic region encompassing the full coding sequence of the NGF gene. The boundaries of this event are unknown as they extend beyond the assayed region for this gene and therefore may encompass additional genes. As the precise location of this event is unknown, it may be in tandem or it may be located elsewhere in the genome. This variant has not been reported in the literature in individuals with NGF-related conditions. Experimental studies and prediction algorithms are not available or were not evaluated, and the functional significance of this variant is currently unknown. In summary, the available evidence is currently insufficient to determine the role of this variant in disease. Therefore, it has been classified as a Variant of Uncertain Significance.